The following is an entry in ClinVar:

NM_003119.4(SPG7):c.1529C>T (p.Ala510Val)

Gene: SPG7 (SPG7 matrix AAA peptidase subunit, paraplegin; plus strand). Cytogenetic location: 16q24.3.
Variant type: single nucleotide variant.
Coding change: c.1529C>T on transcript NM_003119.4 (MANE Select); coding-DNA position 1529, C replaced by T.
Protein change: p.Ala510Val; replaces alanine 510 with valine.
Molecular consequence: missense variant.
Genome position (GRCh38, 1-based): chr16:89,546,737, C>T. VCF-style: chr16-89546737-C-T. GRCh37 (hg19) VCF-style: chr16-89613145-C-T.
Other names: SPG7, ALA510VAL (rs61755320); p.A510V:GCA>GTA; NM_003119.3(SPG7):c.1529C>T(p.Ala510Val); c.1529C>T, p.Ala510Val (NM_001363850.1); short protein forms A510V.
Identifiers: ClinVar variation 42016 (VCV000042016.147), dbSNP rs61755320, ClinGen allele CA090884.

ClinVar aggregate classification (germline): Pathogenic/Likely pathogenic. Review status: criteria provided, multiple submitters, no conflicts (2 of 4 stars). 75 submissions from 72 submitters: Pathogenic (55); Likely pathogenic (11). 9 of the submissions do not count toward it. Last evaluated 2026-08-01.

Conditions:
Mitochondrial DNA maintenance disorder.
SPG7-related disorder. Also called: SPG7-related condition.
Spastic ataxia. Identifiers: Orphanet 316226, MedGen C1849156, MONDO:0017845, HP:0002497.
Sensorimotor neuropathy. Identifiers: MedGen C1112256, HP:0007141.
Possible mitochondrial disorder - nuclear genes.
Spastic Paraplegia, Recessive.
Inborn genetic diseases. Identifiers: MedGen C0950123, MeSH D030342.
Frontotemporal dementia and/or amyotrophic lateral sclerosis 2. Also called: FTDALS2. Identifiers: Orphanet 275872, MedGen C4014648, MONDO:0014395, OMIM 615911.
Retinal dystrophy. Also called: Inherited retinal dystrophy. Identifiers: Orphanet 71862, MedGen C0854723, MeSH D058499, MONDO:0019118, HP:0000556.
Hereditary spastic paraplegia. Also called: Familial spastic paraparesis. Identifiers: Orphanet 685, MedGen C0037773, MONDO:0019064. Disease mechanism: loss of function.
Hereditary spastic paraplegia 7 (SPG7). Also called: Autosomal recessive spastic paraplegia type 7; SPASTIC PARAPLEGIA 7, AUTOSOMAL RECESSIVE, WITH OR WITHOUT CEREBELLAR ATAXIA; Spastic paraplegia 7; Hereditary spastic paraplegia Paraplegin type; SPG7-related neurologic disorder. Identifiers: Orphanet 99013, MedGen C1846564, MONDO:0011803, OMIM 607259.
Optic neuropathy. Also called: Optic nerve disorder. Identifiers: MedGen C3887709, MONDO:0002135, HP:0001138.
Intellectual disability. Also called: Intellectual functioning disability; intellectual disabilities; Intellectual developmental disorder. Identifiers: MedGen C3714756, MeSH D008607, MONDO:0001071, HP:0001249.
Dysarthria. Identifiers: MedGen C0013362, HP:0001260.
Spastic paraparesis. Identifiers: MedGen C0037771, HP:0002313.
Gait ataxia. Identifiers: MedGen C0751837, HP:0002066.
Cerebral cortical atrophy. Identifiers: MedGen C4551583, HP:0002120.

Allele frequency attached by ClinVar (database versions not stated): gnomAD 0.00361 and 0.00364; TOPMed 0.00371; gnomAD exomes 0.00605 and 0.00292; 1000 Genomes Project 30x 0.00203; 1000 Genomes Project 0.00220; ExAC 0.00252; ESP Exome Variant Server 0.00346.
gnomAD v4.1: 9,342 of 1,611,950 alleles (0.58%); highest among the groups gnomAD compares: Non-Finnish European, 0.73%; 44 homozygotes.

Submissions 1 to 9 of 101:

CeGaT Center for Human Genetics Tuebingen
Classification: Pathogenic. Last evaluated: 2026-08-01. Review status: criteria provided, single submitter. Criteria: CeGaT Center For Human Genetics Tuebingen Variant Classification Criteria Version 2. Collection method: clinical testing. Allele origin: germline. Affected: yes. Observed: 80 variant alleles.
Comment: SPG7: PM3:Very Strong, PP1:Strong, PM2:Supporting, PS3:Supporting

Institute of Human Genetics, University of Leipzig Medical Center
Classification: Pathogenic for Hereditary spastic paraplegia 7. Last evaluated: 2026-06-25. Review status: criteria provided, single submitter. Criteria: ACMG Guidelines, 2015. Collection method: clinical testing. Allele origin: unknown. Inheritance: Autosomal recessive inheritance. Affected: yes.
Comment: Criteria applied: PM3_VSTR,PP1_MOD,PS3_SUP,PP3

Rare Disease Group, Clinical Genetics, Karolinska Institutet
Classification: Pathogenic for Hereditary spastic paraplegia 7. Last evaluated: 2026-06-08. Review status: criteria provided, single submitter. Criteria: ACMG Guidelines, 2015. Collection method: research. Allele origin: maternal. Inheritance: Autosomal recessive inheritance. Affected: yes. Observed: 1 variant allele, 1 heterozygote.
Comment: This particular variant has been described previously in spastic paraplegia, both in autosomal recessive inheritance and some individuals with autosomal dominant inheritance. Found in trans with c.2102A>C, p.His701Pro (NM_003119.4). The significance for this variant for some of these phenotypes is uncertain.

Genetics Laboratory, Great Ormond Street Hospital NHS Foundation Trust, North Thames Genomic Laboratory Hub
Classification: Pathogenic for Possible mitochondrial disorder - nuclear genes. Last evaluated: 2026-05-18. Review status: criteria provided, single submitter. Criteria: ACGS Best Practice Guidelines for Variant Classification in Rare Disease 2024 v1.2. Collection method: clinical testing. Allele origin: germline. Affected: yes.
Comment: PS4_strong, PP3_supporting, PS3_strong, PP1_strong

PreventionGenetics, part of Exact Sciences
Classification: Likely pathogenic for SPG7-related condition. Last evaluated: 2026-04-13. Review status: criteria provided, single submitter. Criteria: ACMG Guidelines, 2015. Collection method: clinical testing. Allele origin: germline.
Comment: The SPG7 c.1529C>T variant is predicted to result in the amino acid substitution p.Ala510Val. This variant has been repeatedly reported in the compound heterozygous and homozygous states to be causative for hereditary spastic paraplegia with variable age of onset and severity (see for examples: Sánchez-Ferrero et al. 2013. PubMed ID: 22571692; van Gassen et al. 2012. PubMed ID: 22964162; Roxburgh et al. 2013. PubMed ID: 23269439). This variant is present in 0.48% of alleles in individuals of European (Non-Finnish) descent in gnomAD, including two homozygous individuals. This allele frequency is slightly high for a pathogenic variant; but, given the wide range in age of onset, does not rule out pathogenicity. This variant is significantly more frequent in patients than healthy controls (3% vs 1%) (Sánchez-Ferrero et al. 2013. PubMed ID: 22571692). Functional characterization of SPG7 variants by a yeast complementation assay suggests that this variant impairs protein function (Bonn et al. 2010. PubMed ID: 20186691). Taken together, these data indicate this variant is likely pathogenic in an autosomal recessive manner with variable age of onset and severity.

Genetics Laboratory, Great Ormond Street Hospital NHS Foundation Trust, North Thames Genomic Laboratory Hub
Classification: Pathogenic for Mitochondrial DNA maintenance disorder. Last evaluated: 2026-04-11. Review status: criteria provided, single submitter. Criteria: ACGS Best Practice Guidelines for Variant Classification in Rare Disease 2024 v1.2. Collection method: clinical testing. Allele origin: germline. Affected: yes.
Comment: the same text as in the submission from Genetics Laboratory, Great Ormond Street Hospital NHS Foundation Trust, North Thames Genomic Laboratory Hub above.

Victorian Clinical Genetics Services, Murdoch Childrens Research Institute
Classification: Pathogenic for Hereditary spastic paraplegia 7. Last evaluated: 2026-03-23. Review status: criteria provided, single submitter. Criteria: ACMG Guidelines, 2015. Collection method: clinical testing. Allele origin: germline. Affected: yes.
Comment: This variant is classified as Pathogenic. Evidence in support of pathogenic classification: Variant is present in gnomAD (v2) <0.01 (816 heterozygotes, 2 homozygotes); This variant has very strong previous evidence of pathogenicity in unrelated individuals. This variant has previously been reported as likely pathogenic or pathogenic in at least ten individuals with spastic paraplegia 7 and is the most common pathogenic variant found across different populations. This variant has also been reported with a highly variable age of onset, in both a homozygous or compound heterozygous state in affected individuals (ClinVar; PMIDs: 24727571, 30098094, 30533525, 20301286); This variant has moderate functional evidence supporting abnormal protein function. Functional studies show that this variant impairs protein function (PMID: 20186691); Missense variant predicted to be damaging by in silico tool(s) or highly conserved with a major amino acid change. Additional information: Variant is predicted to result in a missense amino acid change from alanine to valine; This variant is heterozygous; This gene is associated with both recessive and dominant disease. This gene is associated with autosomal recessive spastic paraplegia 7 and autosomal dominant optical atrophy (PMIDs: 31854126, 32548275); Alternative amino acid change(s) at the same position are present in gnomAD (highest allele count: v4: 5 heterozygote(s), 0 homozygote(s)); Variant is located in the annotated AAA+ lid domain (DECIPHER); Loss of function is a known mechanism of disease in this gene and is associated with spastic paraplegia 7 (MIM#607259) and optical atrophy (MONDO#0003608); Inheritance information for this variant is not currently available in this individual.

Labcorp Genetics (formerly Invitae), Labcorp
Classification: Pathogenic for Hereditary spastic paraplegia 7. Last evaluated: 2026-01-21. Review status: criteria provided, single submitter. Criteria: Invitae Variant Classification Sherloc (09022015). Collection method: clinical testing. Allele origin: germline.
Comment: This sequence change replaces alanine, which is neutral and non-polar, with valine, which is neutral and non-polar, at codon 510 of the SPG7 protein (p.Ala510Val). This variant is present in population databases (rs61755320, gnomAD 0.5%), including at least one homozygous and/or hemizygous individual. This missense change has been observed in individual(s) with autosomal recessive hereditary spastic paraplegia (PMID: 16534102, 18200586, 18799786, 22571692, 22964162, 23269439). It has also been observed to segregate with disease in related individuals. ClinVar contains an entry for this variant (Variation ID: 42016). Invitae Evidence Modeling of protein sequence and biophysical properties (such as structural, functional, and spatial information, amino acid conservation, physicochemical variation, residue mobility, and thermodynamic stability) indicates that this missense variant is expected to disrupt SPG7 protein function with a positive predictive value of 80%. Experimental studies have shown that this missense change affects SPG7 function (PMID: 20186691). For these reasons, this variant has been classified as Pathogenic.

Mayo Clinic Laboratories, Mayo Clinic
Classification: Pathogenic. Last evaluated: 2025-11-25. Review status: criteria provided, single submitter. Criteria: ACMG Guidelines, 2015. Collection method: clinical testing. Allele origin: germline. Observed: 29 variant alleles.
Comment: PP3_moderate, PM3_strong, PS4